The following is an entry in ClinVar:

ClinVar aggregate classification (germline): Uncertain significance (1 of 4 stars; one submission).

Submission:

Labcorp Genetics (formerly Invitae), Labcorp
Classification: Uncertain significance. Last evaluated: 2022-10-24. Review status: criteria provided, single submitter. Criteria: Invitae Variant Classification Sherloc (09022015). Collection method: clinical testing. Allele origin: germline.
Comment: This sequence change creates a premature translational stop signal (p.Ala182Glyfs*13) in the IFT52 gene. It is expected to result in an absent or disrupted protein product. However, the current clinical and genetic evidence is not sufficient to establish whether loss-of-function variants in IFT52 cause disease. This variant is not present in population databases (gnomAD no frequency). This variant has not been reported in the literature in individuals affected with IFT52-related conditions. ClinVar contains an entry for this variant (Variation ID: 1500488). In summary, the available evidence is currently insufficient to determine the role of this variant in disease. Therefore, it has been classified as a Variant of Uncertain Significance.

NM_016004.5(IFT52):c.542dup (p.Ala182fs)

Gene: IFT52 (intraflagellar transport 52; plus strand). Cytogenetic location: 20q13.12.
Variant type: Duplication.
Coding change: c.542dup on transcript NM_016004.5 (MANE Select); coding-DNA position 542, one base duplicated (T; older notation c.542dupT).
Protein change: p.Ala182fs; shifts the reading frame from alanine 182.
Molecular consequence: frameshift variant. On other transcripts: 5 prime UTR variant (2).
Genome position (GRCh38, 1-based): chr20:43,613,906, T duplicated. VCF-style (leftmost placement, unchanged base first): chr20-43613905-G-GT. GRCh37 (hg19) VCF-style: chr20-42242545-G-GT.
Other names: c.542dup, p.Ala182fs (NM_001303458.3, NM_001303459.3); c.14dup, p.Ala6fs (NM_001323578.2, NM_001323580.2); c.-223dup (NM_001323579.2, NM_001323581.2); short protein forms A6fs, A182fs.
Identifiers: ClinVar variation 1500488 (VCV001500488.6), dbSNP rs2145621041, ClinGen allele CA2573157089.